The following is an entry in ClinVar:

ClinVar aggregate classification (germline): Pathogenic/Likely pathogenic. Review status: criteria provided, multiple submitters, no conflicts (2 of 4 stars). 2 submissions from 2 submitters: Pathogenic (1); Likely pathogenic (1). Last evaluated 2021-10-13.

Conditions:
X-linked agammaglobulinemia (XLA). Also called: Bruton's agammaglobulinemia; Agammaglobulinemia, Bruton tyrosine kinase; Agammaglobulinemia, BTK; BTK-deficiency; IMMUNODEFICIENCY 1; AGAMMAGLOBULINEMIA, X-LINKED, TYPE 1. Identifiers: Orphanet 229717, Orphanet 47, MedGen C0221026, MONDO:0010421, OMIM 300755.
X-linked agammaglobulinemia with growth hormone deficiency (IGHD3). Also called: Isolated growth hormone deficiency type 3; Growth hormone deficiency with hypogammaglobulinemia; AGAMMAGLOBULINEMIA AND ISOLATED GROWTH HORMONE DEFICIENCY, X-LINKED; ISOLATED GROWTH HORMONE DEFICIENCY, TYPE III, WITH AGAMMAGLOBULINEMIA; FLEISHER SYNDROME; HYPOGAMMAGLOBULINEMIA AND ISOLATED GROWTH HORMONE DEFICIENCY, X-LINKED. Identifiers: Orphanet 231692, Orphanet 631, MedGen C0472813, MONDO:0010615, OMIM 307200.

Submissions (3):

Illumina Laboratory Services, Illumina
Classification: Likely pathogenic for X-linked agammaglobulinemia. Last evaluated: 2021-10-13. Review status: criteria provided, single submitter. Criteria: ICSLVariantClassificationCriteria RUGD 01 April 2020. Collection method: clinical testing. Allele origin: unknown.
Comment: The BTK c.777-1G>A variant occurs in a canonical splice site (acceptor) and is therefore predicted to disrupt the normal gene product. This variant has been reported in two unrelated male individuals affected with low serum immunoglobulin levels, recurrent infections and severely reduced levels of peripheral B-cells, with reduced expression of BTK noted in one individual (Kanegane et al. 2000; Toth et al. 2009). The variant is not found in version 2.1.1 or version 3.1.1 of the Genome Aggregation Database despite its location in a region of good sequence coverage, which suggest the variant is rare. Based on the available evidence, the c.777-1G>A variant is classified as likely pathogenic for X-linked agammaglobulinemia.

Labcorp Genetics (formerly Invitae), Labcorp
Classification: Pathogenic for X-linked agammaglobulinemia with growth hormone deficiency. Last evaluated: 2019-02-07. Review status: criteria provided, single submitter. Criteria: Invitae Variant Classification Sherloc (09022015). Collection method: clinical testing. Allele origin: germline.
Comment: For these reasons, this variant has been classified as Pathogenic. Donor and acceptor splice site variants typically lead to a loss of protein function (PMID: 16199547), and loss-of-function variants in BTK are known to be pathogenic (PMID: 15661032, 16862044, 19419768). This variant has been observed in individuals affected with X-linked agammaglobulinemia (PMID: 10844531, 19419768). This variant is also known as Intron 8-1G>A in the literature. This variant is not present in population databases (ExAC no frequency). This sequence change affects an acceptor splice site in intron 8 of the BTK gene. It is expected to disrupt RNA splicing and likely results in an absent or disrupted protein product.

Dr. Peter K. Rogan Lab, Western University
No classification provided (evidence only). Condition: Thyroid cancer, nonmedullary, 1. Review status: no classification provided. Collection method: in vitro. Allele origin: not applicable. Functional consequence: retained intron. Not counted in ClinVar's aggregate classification.

Literature cited by the submitters: PubMed 10844531 (cited by Illumina Laboratory Services, Illumina and Labcorp Genetics (formerly Invitae), Labcorp); PubMed 19419768 (cited by Illumina Laboratory Services, Illumina and Labcorp Genetics (formerly Invitae), Labcorp); PubMed 9445504 (cited by Illumina Laboratory Services, Illumina); PubMed 16199547 (cited by Labcorp Genetics (formerly Invitae), Labcorp); PubMed 15661032 (cited by Labcorp Genetics (formerly Invitae), Labcorp); PubMed 16862044 (cited by Labcorp Genetics (formerly Invitae), Labcorp).

NM_000061.3(BTK):c.777-1G>A

Gene: BTK (Bruton tyrosine kinase; minus strand). Cytogenetic location: Xq22.1.
Variant type: single nucleotide variant.
Coding change: c.777-1G>A on transcript NM_000061.3 (MANE Select); the canonical splice acceptor site of the intron before coding-DNA position 777, G replaced by A.
Molecular consequence: splice acceptor variant.
Genome position (GRCh38, 1-based): chrX:101,360,151, C>T on the plus strand (G>A on the coding strand, the complement: BTK is on the minus strand). VCF-style: chrX-101360151-C-T. GRCh37 (hg19) VCF-style: chrX-100615139-C-T.
Other names: c.879-1G>A (NM_001287344.2); c.777-1G>A (NM_001287345.2).
Identifiers: ClinVar variation 647326 (VCV000647326.15), dbSNP rs1603007942, ClinGen allele CA413931367.
Genomic context (GRCh38, chrX:101,360,151, plus strand): 5'-TACATTTCTATGGAGTCTTCTGCTTCAGTGACATAGTTACTAGGAATGTAGCCTTCCTGC[C>T]TGTGAAGGAAACAATGTGGCAGTTCATCCAGCACCTCCCCAGCCTCCAGGAGACAGATTC-3'